The following is an entry in ClinVar:

ClinVar aggregate classification (germline): Likely pathogenic (1 of 4 stars; one submission).

Conditions:
Myofibrillar myopathy 4. Also called: Zaspopathy (type). Identifiers: Orphanet 98912, MedGen C4721886, MONDO:0012277, OMIM 609452.

gnomAD v4.1: 1 of 1,591,462 alleles (0.000063%); highest among the groups gnomAD compares: Non-Finnish European, 0.000085%; no homozygotes.

Submission:

Labcorp Genetics (formerly Invitae), Labcorp
Classification: Likely pathogenic for Myofibrillar myopathy 4. Last evaluated: 2025-12-16. Review status: criteria provided, single submitter. Criteria: Invitae Variant Classification Sherloc (09022015). Collection method: clinical testing. Allele origin: germline.
Comment: The LDB3 gene has multiple clinically relevant transcripts. This variant occurs in alternate transcript NM_007078.3, and corresponds to NM_001080116.1:c.321+1647G>A in the primary transcript. This sequence change affects a donor splice site in intron 3 of the LDB3 gene. It is expected to disrupt RNA splicing. Variants that disrupt the donor or acceptor splice site typically lead to a loss of protein function (PMID: 16199547), and loss-of-function variants in LDB3 are known to be pathogenic (PMID: 36253531). The frequency data for this variant in the population databases is considered unreliable, as metrics indicate poor data quality at this position in the gnomAD database. This variant has not been reported in the literature in individuals affected with LDB3-related conditions. Algorithms developed to predict the effect of sequence changes on RNA splicing suggest that this variant may create or strengthen a splice site. In summary, the currently available evidence indicates that the variant is pathogenic, but additional data are needed to prove that conclusively. Therefore, this variant has been classified as Likely Pathogenic.

Literature cited by the submitters: PubMed 16199547; PubMed 36253531.

NM_007078.3(LDB3):c.689+1G>A

Gene: LDB3 (LIM domain binding 3; plus strand). Cytogenetic location: 10q23.2.
Variant type: single nucleotide variant.
Coding change: c.689+1G>A on transcript NM_007078.3 (MANE Select); the canonical splice donor site of the intron after coding-DNA position 689, G replaced by A.
Molecular consequence: splice donor variant. On other transcripts: intron variant (5).
Genome position (GRCh38, 1-based): chr10:86,681,804, G>A. VCF-style: chr10-86681804-G-A. GRCh37 (hg19) VCF-style: chr10-88441561-G-A.
Other names: c.689+1G>A (NM_001368064.1, NM_001368063.1, NM_001171610.2 and 3 more transcripts); c.321+1647G>A (NM_001368068.1, NM_001368066.1, NM_001080114.2 and 2 more transcripts).
Identifiers: ClinVar variation 4697472 (VCV004697472.1).